The following is an entry in ClinVar:

NM_000548.5(TSC2):c.3256G>A (p.Gly1086Arg)

Gene: TSC2 (TSC complex subunit 2; plus strand). Cytogenetic location: 16p13.3.
Variant type: single nucleotide variant.
Coding change: c.3256G>A on transcript NM_000548.5 (MANE Select); coding-DNA position 3256, G replaced by A.
Protein change: p.Gly1086Arg; replaces glycine 1086 with arginine.
Molecular consequence: missense variant.
Genome position (GRCh38, 1-based): chr16:2,079,400, G>A. VCF-style: chr16-2079400-G-A. GRCh37 (hg19) VCF-style: chr16-2129401-G-A.
Other names: c.3124G>A, p.Gly1042Arg (NM_001077183.3, NM_001370404.1, NM_001406665.1); c.3256G>A, p.Gly1086Arg (NM_001114382.3); c.3016G>A, p.Gly1006Arg (NM_001318827.2); c.2980G>A, p.Gly994Arg (NM_001318829.2); c.2524G>A, p.Gly842Arg (NM_001318831.2, NM_001406687.1, NM_001406688.1); c.3157G>A, p.Gly1053Arg (NM_001318832.2); c.3127G>A, p.Gly1043Arg (NM_001363528.2, NM_001370405.1, NM_021055.3); c.3253G>A, p.Gly1085Arg (NM_001406663.1, NM_001406664.1); and 18 more; short protein forms G1036R, G1037R, G1039R, G1042R, G1043R, G1085R, G843R, G993R.
Identifiers: ClinVar variation 1729465 (VCV001729465.2), dbSNP rs2151440506, ClinGen allele CA394286170.

ClinVar aggregate classification (germline): Uncertain significance (1 of 4 stars; one submission).

Conditions:
Hereditary cancer-predisposing syndrome. Also called: Neoplastic Syndromes, Hereditary; Tumor predisposition; Hereditary Cancer Syndrome; Hereditary neoplastic syndrome. Identifiers: Orphanet 140162, MedGen C0027672, MeSH D009386, MONDO:0015356.

Submission:

Ambry Genetics
Classification: Uncertain significance for Hereditary cancer-predisposing syndrome. Last evaluated: 2020-04-09. Review status: criteria provided, single submitter. Criteria: Ambry Variant Classification Scheme 2023. Collection method: clinical testing. Allele origin: germline.
Comment: The p.G1086R variant (also known as c.3256G>A), located in coding exon 27 of the TSC2 gene, results from a G to A substitution at nucleotide position 3256. The glycine at codon 1086 is replaced by arginine, an amino acid with dissimilar properties. This amino acid position is well conserved in available vertebrate species. In addition, the in silico prediction for this alteration is inconclusive. Since supporting evidence is limited at this time, the clinical significance of this alteration remains unclear.